The following is an entry in ClinVar:

ClinVar aggregate classification (germline): Uncertain significance (1 of 4 stars; one submission).

Conditions:
Inborn genetic diseases. Identifiers: MedGen C0950123, MeSH D030342.

Allele frequency attached by ClinVar (database versions not stated): TOPMed below 0.00001.
gnomAD v4.1: 1 of 1,613,876 alleles (0.000062%); highest among the groups gnomAD compares: Non-Finnish European, 0.000085%; no homozygotes.

Submission:

Ambry Genetics
Classification: Uncertain significance for Inborn genetic diseases. Last evaluated: 2017-06-13. Review status: criteria provided, single submitter. Criteria: Ambry Variant Classification Scheme 2023. Collection method: clinical testing. Allele origin: germline.
Comment: The p.G1191D variant (also known as c.3572G>A), located in coding exon 27 of the MED23 gene, results from a G to A substitution at nucleotide position 3572. The glycine at codon 1191 is replaced by aspartic acid, an amino acid with similar properties. This amino acid position is highly conserved in available vertebrate species. In addition, this alteration is predicted to be deleterious by in silico analysis. Since supporting evidence is limited at this time, the clinical significance of this alteration remains unclear.

NM_004830.4(MED23):c.3554G>A (p.Gly1185Asp)

Gene: MED23 (mediator complex subunit 23; minus strand). Cytogenetic location: 6q23.2.
Variant type: single nucleotide variant.
Coding change: c.3554G>A on transcript NM_004830.4 (MANE Select); coding-DNA position 3554, G replaced by A.
Protein change: p.Gly1185Asp; replaces glycine 1185 with aspartic acid.
Molecular consequence: missense variant.
Genome position (GRCh38, 1-based): chr6:131,591,445, C>T on the plus strand (G>A on the coding strand, the complement: MED23 is on the minus strand). VCF-style: chr6-131591445-C-T. GRCh37 (hg19) VCF-style: chr6-131912585-C-T.
Other names: c.3554G>A, p.Gly1185Asp (NM_001270521.2, NM_001270522.2); c.3572G>A, p.Gly1191Asp (NM_001376517.1, NM_015979.4); c.3500G>A, p.Gly1167Asp (NM_001376518.1); c.3416G>A, p.Gly1139Asp (NM_001376519.1, NM_001376521.1); c.3413G>A, p.Gly1138Asp (NM_001376520.1); c.3383G>A, p.Gly1128Asp (NM_001376522.1); c.3299G>A, p.Gly1100Asp (NM_001376523.1); c.3167G>A, p.Gly1056Asp (NM_001376524.1); short protein forms G1167D, G1191D, G1139D, G1185D, G1128D, G1056D, G1100D, G1138D.
Identifiers: ClinVar variation 1732811 (VCV001732811.2), dbSNP rs1774626763, ClinGen allele CA365658474.
Genomic context (GRCh38, chr6:131,591,445, plus strand): 5'-CAACTCATCTCAGAGTAGGACTGATGACAGGCAGTGAAATCAAAGAGGCGGAATGGATAG[C>T]CAACCCACTCTGTTTCAGACGTCAAGCTGGGGCTGCTGATGACACTCACAATTCGATCAT-3'
Protein context (NP_004821.2, residues 1175-1195): PSLTSETEWV[Gly1185Asp]YPFRLFDFTA